The following is an entry in ClinVar:

NM_001170629.2(CHD8):c.2993A>G (p.Gln998Arg)

Gene: CHD8 (chromodomain helicase DNA binding protein 8; minus strand). Cytogenetic location: 14q11.2.
Variant type: single nucleotide variant.
Coding change: c.2993A>G on transcript NM_001170629.2 (MANE Select); coding-DNA position 2993, A replaced by G.
Protein change: p.Gln998Arg; replaces glutamine 998 with arginine.
Molecular consequence: missense variant.
Genome position (GRCh38, 1-based): chr14:21,405,779, T>C on the plus strand (A>G on the coding strand, the complement: CHD8 is on the minus strand). VCF-style: chr14-21405779-T-C. GRCh37 (hg19) VCF-style: chr14-21873938-T-C.
Other names: c.2156A>G, p.Gln719Arg (NM_020920.4); short protein forms Q719R, Q998R.
Identifiers: ClinVar variation 1320695 (VCV001320695.5), dbSNP rs765569494, ClinGen allele CA7091480.

ClinVar aggregate classification (germline): Uncertain significance. Review status: criteria provided, multiple submitters, no conflicts (2 of 4 stars). 3 submissions from 3 submitters: Uncertain significance (3). Last evaluated 2025-02-20.

Conditions:
Inborn genetic diseases. Identifiers: MedGen C0950123, MeSH D030342.
Intellectual developmental disorder with autism and macrocephaly. Also called: Autism, susceptibility to, 18; CHD8-Related Neurodevelopmental Disorder with Overgrowth. Identifiers: Orphanet 642675, MedGen C3554373, MONDO:0014017, OMIM 615032.

Allele frequency attached by ClinVar (database versions not stated): gnomAD exomes below 0.00001; ExAC 0.00001; TOPMed 0.00001.
gnomAD v4.1: 2 of 1,613,982 alleles (0.00012%); highest among the groups gnomAD compares: Admixed American, 0.0017%; no homozygotes.

Submissions (3):

Ambry Genetics
Classification: Uncertain significance for Inborn genetic diseases. Last evaluated: 2025-02-20. Review status: criteria provided, single submitter. Criteria: Ambry Variant Classification Scheme 2023. Collection method: clinical testing. Allele origin: germline.

Laboratorio de Genetica e Diagnostico Molecular, Hospital Israelita Albert Einstein
Classification: Uncertain significance for Intellectual developmental disorder with autism and macrocephaly. Last evaluated: 2023-01-27. Review status: criteria provided, single submitter. Criteria: ACMG Guidelines, 2015. Collection method: clinical testing. Allele origin: germline. Affected: yes. Observed: 1 variant allele.
Comment: ACMG classification criteria: PM2 moderated, PP2 supporting, BP4 supporting

GeneDx
Classification: Uncertain significance. Last evaluated: 2022-06-09. Review status: criteria provided, single submitter. Criteria: GeneDx Variant Classification Process June 2021. Collection method: clinical testing. Allele origin: germline. Affected: yes.
Comment: Not observed at significant frequency in large population cohorts (gnomAD); In silico analysis supports that this missense variant does not alter protein structure/function; Has not been previously published as pathogenic or benign to our knowledge